The following is an entry in ClinVar:

ClinVar aggregate classification (germline): Uncertain significance (1 of 4 stars; one submission).

Conditions:
MOGS-congenital disorder of glycosylation. Also called: CDG IIb; MOGS-CDG; CDG 2B; GLUCOSIDASE I DEFICIENCY. Identifiers: Orphanet 79330, MedGen C1853736, MONDO:0011629, OMIM 606056.

Allele frequency attached by ClinVar (database versions not stated): gnomAD exomes below 0.00001; ExAC 0.00001; TOPMed 0.00001.
gnomAD v4.1: 7 of 1,614,206 alleles (0.00043%); highest among the groups gnomAD compares: Non-Finnish European, 0.00059%; no homozygotes.

Submission:

Labcorp Genetics (formerly Invitae), Labcorp
Classification: Uncertain significance for MOGS-congenital disorder of glycosylation. Last evaluated: 2022-02-06. Review status: criteria provided, single submitter. Criteria: Invitae Variant Classification Sherloc (09022015). Collection method: clinical testing. Allele origin: germline.
Comment: This sequence change replaces glycine, which is neutral and non-polar, with arginine, which is basic and polar, at codon 317 of the MOGS protein (p.Gly317Arg). This variant is present in population databases (rs773221609, gnomAD 0.0009%). This variant has not been reported in the literature in individuals affected with MOGS-related conditions. Algorithms developed to predict the effect of missense changes on protein structure and function are either unavailable or do not agree on the potential impact of this missense change (SIFT: "Deleterious"; PolyPhen-2: "Probably Damaging"; Align-GVGD: "Class C0"). In summary, the available evidence is currently insufficient to determine the role of this variant in disease. Therefore, it has been classified as a Variant of Uncertain Significance.

NM_006302.3(MOGS):c.949G>A (p.Gly317Arg)

Gene: MOGS (mannosyl-oligosaccharide glucosidase; minus strand). Cytogenetic location: 2p13.1.
Variant type: single nucleotide variant.
Coding change: c.949G>A on transcript NM_006302.3 (MANE Select); coding-DNA position 949, G replaced by A.
Protein change: p.Gly317Arg; replaces glycine 317 with arginine.
Molecular consequence: missense variant.
Genome position (GRCh38, 1-based): chr2:74,462,840, C>T on the plus strand (G>A on the coding strand, the complement: MOGS is on the minus strand). VCF-style: chr2-74462840-C-T. GRCh37 (hg19) VCF-style: chr2-74689967-C-T.
Other names: c.631G>A, p.Gly211Arg (NM_001146158.2); short protein forms G211R, G317R.
Identifiers: ClinVar variation 2073369 (VCV002073369.1), dbSNP rs773221609, ClinGen allele CA1724873.